The following is an entry in ClinVar:

NM_005751.5(AKAP9):c.8353A>T (p.Thr2785Ser)

Gene: AKAP9 (A-kinase anchoring protein 9; plus strand). Cytogenetic location: 7q21.2.
Variant type: single nucleotide variant.
Coding change: c.8353A>T on transcript NM_005751.5 (MANE Select); coding-DNA position 8353, A replaced by T.
Protein change: p.Thr2785Ser; replaces threonine 2785 with serine.
Molecular consequence: missense variant.
Genome position (GRCh38, 1-based): chr7:92,083,362, A>T. VCF-style: chr7-92083362-A-T. GRCh37 (hg19) VCF-style: chr7-91712676-A-T.
Other names: c.2998A>T, p.Thr1000Ser (NM_001379277.1); c.8329A>T, p.Thr2777Ser (NM_147185.3); short protein forms T1000S, T2785S, T2777S.
Identifiers: ClinVar variation 3718234 (VCV003718234.2).

ClinVar aggregate classification (germline): Uncertain significance (1 of 4 stars; one submission).

Conditions:
Long QT syndrome (LQTS). Identifiers: MedGen C0023976, MeSH D008133, MONDO:0002442. Disease mechanism: loss of function. Inheritance: Various modes of inheritance.

Submission:

Labcorp Genetics (formerly Invitae), Labcorp
Classification: Uncertain significance for Long QT syndrome. Last evaluated: 2024-10-09. Review status: criteria provided, single submitter. Criteria: Invitae Variant Classification Sherloc (09022015). Collection method: clinical testing. Allele origin: germline.
Comment: This sequence change replaces threonine, which is neutral and polar, with serine, which is neutral and polar, at codon 2785 of the AKAP9 protein (p.Thr2785Ser). This variant is not present in population databases (gnomAD no frequency). This variant has not been reported in the literature in individuals affected with AKAP9-related conditions. An algorithm developed to predict the effect of missense changes on protein structure and function (PolyPhen-2) suggests that this variant is likely to be tolerated. In summary, the available evidence is currently insufficient to determine the role of this variant in disease. Therefore, it has been classified as a Variant of Uncertain Significance.